The following is an entry in ClinVar:

NM_024537.4(CARS2):c.1634G>C (p.Ser545Thr)

Gene: CARS2 (cysteinyl-tRNA synthetase 2, mitochondrial; minus strand). Cytogenetic location: 13q34.
Variant type: single nucleotide variant.
Coding change: c.1634G>C on transcript NM_024537.4 (MANE Select); coding-DNA position 1634, G replaced by C.
Protein change: p.Ser545Thr; replaces serine 545 with threonine.
Molecular consequence: missense variant. On other transcripts: non-coding transcript variant (2).
Genome position (GRCh38, 1-based): chr13:110,641,598, C>G on the plus strand (G>C on the coding strand, the complement: CARS2 is on the minus strand). VCF-style: chr13-110641598-C-G. GRCh37 (hg19) VCF-style: chr13-111293945-C-G.
Other names: c.848G>C, p.Ser283Thr (NM_001352252.2); short protein forms S545T, S283T.
Identifiers: ClinVar variation 1408204 (VCV001408204.8), dbSNP rs754579725, ClinGen allele CA7051566.

ClinVar aggregate classification (germline): Uncertain significance (1 of 4 stars; one submission).

Conditions:
Combined oxidative phosphorylation defect type 27. Also called: Combined oxidative phosphorylation deficiency 27. Identifiers: Orphanet 477774, MedGen C5567608, MONDO:0014728, OMIM 616672.

Allele frequency attached by ClinVar (database versions not stated): ExAC 0.00001.

Submission:

Labcorp Genetics (formerly Invitae), Labcorp
Classification: Uncertain significance for Combined oxidative phosphorylation defect type 27. Last evaluated: 2021-01-08. Review status: criteria provided, single submitter. Criteria: Invitae Variant Classification Sherloc (09022015). Collection method: clinical testing. Allele origin: germline.
Comment: This sequence change replaces serine with threonine at codon 545 of the CARS2 protein (p.Ser545Thr). The serine residue is weakly conserved and there is a small physicochemical difference between serine and threonine. In summary, the available evidence is currently insufficient to determine the role of this variant in disease. Therefore, it has been classified as a Variant of Uncertain Significance. Algorithms developed to predict the effect of missense changes on protein structure and function (SIFT, PolyPhen-2, Align-GVGD) all suggest that this variant is likely to be tolerated, but these predictions have not been confirmed by published functional studies and their clinical significance is uncertain. This variant has not been reported in the literature in individuals with CARS2-related conditions. This variant is present in population databases (rs754579725, ExAC 0.001%).